The following is an entry in ClinVar:

ClinVar aggregate classification (germline): Benign/Likely benign. Review status: criteria provided, multiple submitters, no conflicts (2 of 4 stars). 8 submissions from 8 submitters: Benign (3); Likely benign (3). 2 of the submissions do not count toward it. Last evaluated 2026-08-01.

Allele frequency attached by ClinVar (database versions not stated): gnomAD 0.00262 and 0.00326; ESP Exome Variant Server 0.00277; TOPMed 0.00283; 1000 Genomes Project 30x 0.00500; 1000 Genomes Project 0.00519; gnomAD exomes 0.00543; ExAC 0.00569.

Submissions (8):

CeGaT Center for Human Genetics Tuebingen
Classification: Benign. Last evaluated: 2026-08-01. Review status: criteria provided, single submitter. Criteria: CeGaT Center For Human Genetics Tuebingen Variant Classification Criteria Version 2. Collection method: clinical testing. Allele origin: germline. Affected: yes. Observed: 34 variant alleles.
Comment: MAGEL2: BP4, BP7, BS1, BS2

Labcorp Genetics (formerly Invitae), Labcorp
Classification: Benign. Last evaluated: 2026-01-22. Review status: criteria provided, single submitter. Criteria: Invitae Variant Classification Sherloc (09022015). Collection method: clinical testing. Allele origin: germline.

Blueprint Genetics
Classification: Likely benign. Last evaluated: 2024-11-26. Review status: criteria provided, single submitter. Criteria: ACMG Guidelines, 2015. Collection method: clinical testing. Allele origin: germline.

GeneDx
Classification: Likely benign. Last evaluated: 2020-01-20. Review status: criteria provided, single submitter. Criteria: GeneDx Variant Classification Process June 2021. Collection method: clinical testing. Allele origin: germline. Affected: yes.

Genetic Services Laboratory, University of Chicago
Classification: Benign. Last evaluated: 2019-08-30. Review status: criteria provided, single submitter. Criteria: ACMG Guidelines, 2015. Collection method: clinical testing. Allele origin: germline. Affected: no.

Breakthrough Genomics
Classification: Likely benign. Review status: criteria provided, single submitter. Criteria: ACMG Guidelines, 2015. Collection method: not provided. Allele origin: germline. Inheritance: Autosomal dominant inheritance. Affected: yes.

Clinical Genetics DNA and cytogenetics Diagnostics Lab, Erasmus MC, Erasmus Medical Center
Classification: Likely benign. Review status: no assertion criteria provided. Collection method: clinical testing. Allele origin: germline. Affected: yes. Study: VKGL Data-share Consensus. Not counted in ClinVar's aggregate classification.

Clinical Genetics, Academic Medical Center
Classification: Benign. Review status: no assertion criteria provided. Collection method: clinical testing. Allele origin: germline. Affected: yes. Study: VKGL Data-share Consensus. Not counted in ClinVar's aggregate classification.

NM_019066.5(MAGEL2):c.2886C>T (p.Ser962=)

Gene: MAGEL2 (MAGE family member L2; minus strand). Cytogenetic location: 15q11.2.
Variant type: single nucleotide variant.
Coding change: c.2886C>T on transcript NM_019066.5 (MANE Select); coding-DNA position 2886, C replaced by T.
Protein change: p.Ser962=; no amino-acid change (serine 962 retained).
Molecular consequence: synonymous variant.
Genome position (GRCh38, 1-based): chr15:23,644,857, G>A on the plus strand (C>T on the coding strand, the complement: MAGEL2 is on the minus strand). VCF-style: chr15-23644857-G-A. GRCh37 (hg19) VCF-style: chr15-23890004-G-A.
Identifiers: ClinVar variation 211416 (VCV000211416.53), dbSNP rs2233068, ClinGen allele CA209575.